The following is an entry in ClinVar:

NM_001273.5(CHD4):c.4630T>C (p.Ser1544Pro)

Genes: CHD4 (chromodomain helicase DNA binding protein 4; minus strand), CHD4-AS1 (CHD4 antisense RNA 1; plus strand). Cytogenetic location: 12p13.31.
Variant type: single nucleotide variant.
Coding change: c.4630T>C on transcript NM_001273.5 (MANE Select); coding-DNA position 4630, T replaced by C.
Protein change: p.Ser1544Pro; replaces serine 1544 with proline.
Molecular consequence: missense variant.
Genome position (GRCh38, 1-based): chr12:6,581,700, A>G on the plus strand (T>C on the coding strand, the complement: CHD4 is on the minus strand). VCF-style: chr12-6581700-A-G. GRCh37 (hg19) VCF-style: chr12-6690866-A-G.
Other names: c.4609T>C, p.Ser1537Pro (NM_001297553.2); c.4591T>C, p.Ser1531Pro (NM_001363606.2); short protein forms S1531P, S1537P, S1544P.
Identifiers: ClinVar variation 4742713 (VCV004742713.1).
Genomic context (GRCh38, chr12:6,581,700, plus strand): 5'-CAGACTTACCAGCAGGTGGGACAGGTGCAGGAGTGTTGGGCTGCGTGTCCCCTGGAGTGG[A>G]GGGTGTAGGAGTTTTTGGGGAGGGTGACCCTGGCTGGGACATCTTCTTGTTTTCCTCCAC-3'
Protein context (NP_001264.2, residues 1534-1554): GSPSPKTPTP[Ser1544Pro]TPGDTQPNTP

ClinVar aggregate classification (germline): Uncertain significance (1 of 4 stars; one submission).

Submission:

Labcorp Genetics (formerly Invitae), Labcorp
Classification: Uncertain significance. Last evaluated: 2025-04-15. Review status: criteria provided, single submitter. Criteria: Invitae Variant Classification Sherloc (09022015). Collection method: clinical testing. Allele origin: germline.
Comment: This sequence change replaces serine, which is neutral and polar, with proline, which is neutral and non-polar, at codon 1544 of the CHD4 protein (p.Ser1544Pro). This variant is not present in population databases (gnomAD no frequency). This variant has not been reported in the literature in individuals affected with CHD4-related conditions. Invitae Evidence Modeling of protein sequence and biophysical properties (such as structural, functional, and spatial information, amino acid conservation, physicochemical variation, residue mobility, and thermodynamic stability) indicates that this missense variant is not expected to disrupt CHD4 protein function with a negative predictive value of 80%. In summary, the available evidence is currently insufficient to determine the role of this variant in disease. Therefore, it has been classified as a Variant of Uncertain Significance.